The following is an entry in ClinVar:

NM_002839.4(PTPRD):c.5626G>A (p.Val1876Ile)

Gene: PTPRD (protein tyrosine phosphatase receptor type D; minus strand). Cytogenetic location: 9p24.1.
Variant type: single nucleotide variant.
Coding change: c.5626G>A on transcript NM_002839.4 (MANE Select); coding-DNA position 5626, G replaced by A.
Protein change: p.Val1876Ile; replaces valine 1876 with isoleucine.
Molecular consequence: missense variant.
Genome position (GRCh38, 1-based): chr9:8,319,875, C>T on the plus strand (G>A on the coding strand, the complement: PTPRD is on the minus strand). VCF-style: chr9-8319875-C-T. GRCh37 (hg19) VCF-style: chr9-8319875-C-T.
Other names: NM_130391.4:c.4405G>A; c.4396G>A, p.Val1466Ile (NM_001040712.2); c.4405G>A, p.Val1469Ile (NM_001171025.2, NM_130391.4); c.4417G>A, p.Val1473Ile (NM_001377946.1); c.4387G>A, p.Val1463Ile (NM_001377947.1); c.5686G>A, p.Val1896Ile (NM_001377958.1); c.5641G>A, p.Val1881Ile (NM_001378058.1); c.4408G>A, p.Val1470Ile (NM_130392.3); and 1 more; short protein forms V1460I, V1463I, V1466I, V1469I, V1470I, V1473I, V1876I, V1881I.
Identifiers: ClinVar variation 4819486 (VCV004819486.1).

ClinVar aggregate classification (germline): Uncertain significance (1 of 4 stars; one submission).

Conditions:
Neurodevelopmental disorder. Identifiers: MedGen C1535926, MeSH D065886, MONDO:0700092.

Submission:

Broad Center for Mendelian Genomics, Broad Institute of MIT and Harvard
Classification: Uncertain significance for Neurodevelopmental disorder. Last evaluated: 2026-03-02. Review status: criteria provided, single submitter. Criteria: ACMG Guidelines, 2015. Collection method: research. Allele origin: germline. Inheritance: Autosomal dominant inheritance.
Comment: The p.Val1876Ile variant in PTPRD has not been previously reported in the literature in individuals with neurodevelopmental disorders, and was absent from large population studies. Computational prediction tools and conservation analyses do not provide strong support for or against an impact to the protein. While variants in the PTPRD gene have been reported in individuals with neurodevelopmental disorders, this association has not been definitively established. In summary, given the limited information about this gene-disease relationship, the significance of the p.Val1876Ile variant is uncertain.